The following is an entry in ClinVar:

NM_004629.2(FANCG):c.1774T>C (p.Tyr592His)

Gene: FANCG (FA complementation group G; minus strand). Cytogenetic location: 9p13.3.
Variant type: single nucleotide variant.
Coding change: c.1774T>C on transcript NM_004629.2 (MANE Select); coding-DNA position 1774, T replaced by C.
Protein change: p.Tyr592His; replaces tyrosine 592 with histidine.
Molecular consequence: missense variant.
Genome position (GRCh38, 1-based): chr9:35,074,203, A>G on the plus strand (T>C on the coding strand, the complement: FANCG is on the minus strand). VCF-style: chr9-35074203-A-G. GRCh37 (hg19) VCF-style: chr9-35074200-A-G.
Other names: short protein forms Y592H.
Identifiers: ClinVar variation 456232 (VCV000456232.9), dbSNP rs768325047, ClinGen allele CA5039622.

ClinVar aggregate classification (germline): Uncertain significance. Review status: criteria provided, multiple submitters, no conflicts (2 of 4 stars). 2 submissions from 2 submitters: Uncertain significance (2). Last evaluated 2025-12-13.

Conditions:
Fanconi anemia (FA). Also called: Fanconi's anemia. Identifiers: Orphanet 84, MedGen C0015625, MeSH D005199, MONDO:0019391.
Inborn genetic diseases. Identifiers: MedGen C0950123, MeSH D030342.

Allele frequency attached by ClinVar (database versions not stated): gnomAD exomes below 0.00001; ExAC 0.00001.
gnomAD v4.1: 1 of 1,614,184 alleles (0.000062%); highest among the groups gnomAD compares: Admixed American, 0.0017%; no homozygotes.

Submissions (2):

Labcorp Genetics (formerly Invitae), Labcorp
Classification: Uncertain significance for Fanconi anemia. Last evaluated: 2025-12-13. Review status: criteria provided, single submitter. Criteria: Invitae Variant Classification Sherloc (09022015). Collection method: clinical testing. Allele origin: germline.
Comment: This sequence change replaces tyrosine, which is neutral and polar, with histidine, which is basic and polar, at codon 592 of the FANCG protein (p.Tyr592His). This variant is present in population databases (rs768325047, gnomAD 0.003%). This variant has not been reported in the literature in individuals affected with FANCG-related conditions. ClinVar contains an entry for this variant (Variation ID: 456232). Invitae Evidence Modeling of protein sequence and biophysical properties (such as structural, functional, and spatial information, amino acid conservation, physicochemical variation, residue mobility, and thermodynamic stability) has been performed for this missense variant. However, the output from this modeling did not meet the statistical confidence thresholds required to predict the impact of this variant on FANCG protein function. In summary, the available evidence is currently insufficient to determine the role of this variant in disease. Therefore, it has been classified as a Variant of Uncertain Significance.

Ambry Genetics
Classification: Uncertain significance for Inborn genetic diseases. Last evaluated: 2024-11-18. Review status: criteria provided, single submitter. Criteria: Ambry Variant Classification Scheme 2023. Collection method: clinical testing. Allele origin: germline.
Comment: The p.Y592H variant (also known as c.1774T>C), located in coding exon 14 of the FANCG gene, results from a T to C substitution at nucleotide position 1774. The tyrosine at codon 592 is replaced by histidine, an amino acid with similar properties. This amino acid position is conserved. In addition, the in silico prediction for this alteration is inconclusive. Based on the available evidence, the clinical significance of this variant remains unclear.